The following is an entry in ClinVar:

NM_007289.4(MME):c.594dup (p.Val199fs)

Gene: MME (membrane metalloendopeptidase; plus strand). Cytogenetic location: 3q25.2.
Variant type: Duplication.
Coding change: c.594dup on transcript NM_007289.4 (MANE Select); coding-DNA position 594, one base duplicated (A; older notation c.594dupA).
Protein change: p.Val199fs; shifts the reading frame from valine 199.
Molecular consequence: frameshift variant.
Genome position (GRCh38, 1-based): chr3:155,116,926, A duplicated; the last of 6 consecutive A bases (chr3:155,116,921-155,116,926); duplicating any one gives the same sequence. VCF-style (leftmost placement, unchanged base first): chr3-155116920-G-GA. GRCh37 (hg19) VCF-style: chr3-154834709-G-GA.
Other names: c.594dup, p.Val199fs (NM_000902.5, NM_001354642.2, NM_001354643.1 and 2 more transcripts); short protein forms V199fs.
Identifiers: ClinVar variation 930821 (VCV000930821.16), dbSNP rs1254522989, ClinGen allele CA1139658312.

ClinVar aggregate classification (germline): Pathogenic/Likely pathogenic. Review status: criteria provided, multiple submitters, no conflicts (2 of 4 stars). 4 submissions from 4 submitters: Pathogenic (3); Likely pathogenic (1). Last evaluated 2025-03-31.

Conditions:
Spinocerebellar ataxia 43 (SCA43). Identifiers: Orphanet 497764, MedGen C4310763, MONDO:0014867, OMIM 617018.
Charcot-Marie-Tooth disease axonal type 2T. Identifiers: Orphanet 443950, MedGen C4015635, OMIM 617017, MONDO:0014866.

Submissions (4):

Labcorp Genetics (formerly Invitae), Labcorp
Classification: Pathogenic. Last evaluated: 2025-03-31. Review status: criteria provided, single submitter. Criteria: Invitae Variant Classification Sherloc (09022015). Collection method: clinical testing. Allele origin: germline.
Comment: This sequence change creates a premature translational stop signal (p.Val199Serfs*4) in the MME gene. It is expected to result in an absent or disrupted protein product. Loss-of-function variants in MME are known to be pathogenic (PMID: 26991897). This variant is not present in population databases (gnomAD no frequency). This variant has not been reported in the literature in individuals affected with MME-related conditions. ClinVar contains an entry for this variant (Variation ID: 930821). For these reasons, this variant has been classified as Pathogenic.

Institute of Human Genetics Munich, TUM University Hospital
Classification: Pathogenic for Charcot-Marie-Tooth disease axonal type 2T. Last evaluated: 2025-02-17. Review status: criteria provided, single submitter. Criteria: Classification criteria August 2017. Collection method: clinical testing. Allele origin: germline. Inheritance: Autosomal dominant inheritance. Affected: yes. Observed: 1 variant allele.

Centre for Mendelian Genomics, University Medical Centre Ljubljana
Classification: Pathogenic for Spinocerebellar ataxia 43. Last evaluated: 2019-09-17. Review status: criteria provided, single submitter. Criteria: ACMG Guidelines, 2015. Collection method: clinical testing. Allele origin: unknown. Affected: yes.
Comment: This variant was classified as: Pathogenic. The following ACMG criteria were applied in classifying this variant: PVS1,PM2,PM3,PP4. This variant was detected in homozygous state.

Juno Genomics, Hangzhou Juno Genomics, Inc
Classification: Likely pathogenic for Spinocerebellar ataxia 43; Charcot-Marie-Tooth disease axonal type 2T. Review status: criteria provided, single submitter. Criteria: ACMG Guidelines, 2015. Collection method: clinical testing. Allele origin: germline.
Comment: Absent from controls (or at extremely low frequency if recessive) in Genome Aggregation Database.;Null variant in a gene where loss of function (LOF) is a known mechanism of disease.

Literature cited by the submitters: PubMed 26991897 (cited by Labcorp Genetics (formerly Invitae), Labcorp).